The following is an entry in ClinVar:

ClinVar aggregate classification (germline): Uncertain significance (1 of 4 stars; one submission).

Submission:

Labcorp Genetics (formerly Invitae), Labcorp
Classification: Uncertain significance. Last evaluated: 2024-12-28. Review status: criteria provided, single submitter. Criteria: Invitae Variant Classification Sherloc (09022015). Collection method: clinical testing. Allele origin: germline.
Comment: This sequence change replaces glycine, which is neutral and non-polar, with cysteine, which is neutral and slightly polar, at codon 1722 of the RP1 protein (p.Gly1722Cys). This variant is present in population databases (no rsID available, gnomAD 0.007%). This variant has not been reported in the literature in individuals affected with RP1-related conditions. An algorithm developed to predict the effect of missense changes on protein structure and function outputs the following: PolyPhen-2: "Benign". The cysteine amino acid residue is found in multiple mammalian species, which suggests that this missense change does not adversely affect protein function. In summary, the available evidence is currently insufficient to determine the role of this variant in disease. Therefore, it has been classified as a Variant of Uncertain Significance.

NM_006269.2(RP1):c.5164G>T (p.Gly1722Cys)

Genes: RP1 (RP1 axonemal microtubule associated; plus strand), LOC126860392 (CDK7 strongly-dependent group 2 enhancer GRCh37_chr8:55541319-55542518; plus strand). Cytogenetic location: 8q12.1.
Variant type: single nucleotide variant.
Coding change: c.5164G>T on transcript NM_006269.2 (MANE Select); coding-DNA position 5164, G replaced by T.
Protein change: p.Gly1722Cys; replaces glycine 1722 with cysteine.
Molecular consequence: missense variant. On other transcripts: intron variant (1).
Genome position (GRCh38, 1-based): chr8:54,629,046, G>T. VCF-style: chr8-54629046-G-T. GRCh37 (hg19) VCF-style: chr8-55541606-G-T.
Other names: c.787+6758G>T (NM_001375654.1); short protein forms G1722C.
Identifiers: ClinVar variation 3685363 (VCV003685363.2).
Genomic context (GRCh38, chr8:54,629,046, plus strand): 5'-GATAAGTGTGATGTTAGTGCTGTGAGGGACAATTATTGTAGGGGTGACATTGTAGAACCT[G>T]GTACAAAACAAAATGATGATAGCAGAATCCTCACAGACATAGAGGAAGGAGTACTGATTG-3'
Protein context (NP_006260.1, residues 1712-1732): NYCRGDIVEP[Gly1722Cys]TKQNDDSRIL